The following is an entry in ClinVar:

ClinVar aggregate classification (germline): Pathogenic/Likely pathogenic. Review status: criteria provided, multiple submitters, no conflicts (2 of 4 stars). 5 submissions from 5 submitters: Pathogenic (2); Likely pathogenic (2). 1 of the submissions does not count toward it. Last evaluated 2024-12-02.

Conditions:
Spastic paraplegia. Identifiers: MedGen C0037772, HP:0001258.
Charlevoix-Saguenay spastic ataxia (SACS). Also called: Spastic ataxia of Charlevoix-Saguenay; SPASTIC ATAXIA 6, AUTOSOMAL RECESSIVE; AUTOSOMAL RECESSIVE SPASTIC ATAXIA OF CHARLEVOIX-SAGUENAY. Identifiers: Orphanet 98, MedGen C1849140, MONDO:0010041, OMIM 270550.

Submissions (5):

Labcorp Genetics (formerly Invitae), Labcorp
Classification: Pathogenic for Spastic paraplegia. Last evaluated: 2024-12-02. Review status: criteria provided, single submitter. Criteria: Invitae Variant Classification Sherloc (09022015). Collection method: clinical testing. Allele origin: germline.
Comment: This sequence change creates a premature translational stop signal (p.Leu4279Phefs*4) in the SACS gene. While this is not anticipated to result in nonsense mediated decay, it is expected to disrupt the last 301 amino acid(s) of the SACS protein. This variant is not present in population databases (gnomAD no frequency). This variant has not been reported in the literature in individuals affected with SACS-related conditions. This variant disrupts a region of the SACS protein in which other variant(s) (p.Leu4303*) have been determined to be pathogenic (internal data). This suggests that this is a clinically significant region of the protein, and that variants that disrupt it are likely to be disease-causing. For these reasons, this variant has been classified as Pathogenic.

Baylor Genetics
Classification: Likely pathogenic for Charlevoix-Saguenay spastic ataxia. Last evaluated: 2024-02-13. Review status: criteria provided, single submitter. Criteria: ACMG Guidelines, 2015. Collection method: clinical testing. Allele origin: unknown.

PROSPAX: an integrated multimodal progression  chart in spastic ataxias, Center for Neurology; Hertie-Institute for Clinical Brain Research
Classification: Pathogenic for Charlevoix-Saguenay spastic ataxia. Last evaluated: 2022-01-01. Review status: criteria provided, single submitter. Criteria: ACMG Guidelines, 2015. Collection method: research. Allele origin: germline. Affected: yes. Observed: 1 variant allele, 1 compound heterozygote.

Genome-Nilou Lab
Classification: Likely pathogenic for Charlevoix-Saguenay spastic ataxia. Last evaluated: 2021-09-05. Review status: criteria provided, single submitter. Criteria: ACMG Guidelines, 2015. Collection method: clinical testing. Allele origin: germline. Affected: no.

Counsyl
Classification: Likely pathogenic for Charlevoix-Saguenay spastic ataxia. Last evaluated: 2018-05-30. Review status: no assertion criteria provided. Collection method: clinical testing. Allele origin: unknown. Not counted in ClinVar's aggregate classification.

NM_014363.6(SACS):c.12835_12836del (p.Leu4279fs)

Gene: SACS (sacsin molecular chaperone; minus strand). Cytogenetic location: 13q12.12.
Variant type: Microsatellite.
Coding change: c.12835_12836del on transcript NM_014363.6 (MANE Select); coding-DNA positions 12835 to 12836, 2 bases deleted (CT; older notation c.12835_12836delCT).
Protein change: p.Leu4279fs; shifts the reading frame from leucine 4279.
Molecular consequence: frameshift variant.
Genome position (GRCh38, 1-based): chr13:23,331,040-23,331,041, AG deleted on the plus strand (CT on the coding strand, the reverse complement: SACS is on the minus strand); deleting any 2 consecutive bases within chr13:23,331,040-23,331,043 gives the same sequence; the c. name uses the placement nearest the transcript's 3' end. VCF-style (leftmost placement, unchanged base first): chr13-23331039-AAG-A. GRCh37 (hg19) VCF-style: chr13-23905178-AAG-A.
Other names: c.12394_12395del, p.Leu4132fs (NM_001278055.2); short protein forms L4132fs, L4279fs.
Identifiers: ClinVar variation 558550 (VCV000558550.15), dbSNP rs1555249425, ClinGen allele CA658823519.
Genomic context (GRCh38, chr13:23,331,039, plus strand): 5'-CTTAAGCTTTTTGGGGGACTGATGTTTGGAAGAAGTCTTGTGGCTCTCTCTACCAGAGAA[AAG>A]AGGAGGAATGCTTCTCAGGCCAGGGGTGAGGAACTCAGTGGGGCTGGTTGGTGTAGAAGG-3'